The following is an entry in ClinVar:

ClinVar aggregate classification (germline): Conflicting classifications of pathogenicity. Review status: criteria provided, conflicting classifications (1 of 4 stars). 2 submissions from 2 submitters: Uncertain significance (1); Likely benign (1). Last evaluated 2024-02-20.

Conditions:
Hereditary cancer-predisposing syndrome. Also called: Tumor predisposition; Hereditary neoplastic syndrome; Hereditary Cancer Syndrome; Neoplastic Syndromes, Hereditary. Identifiers: Orphanet 140162, MedGen C0027672, MeSH D009386, MONDO:0015356.

Allele frequency attached by ClinVar (database versions not stated): gnomAD exomes below 0.00001.
gnomAD v4.1: 1 of 1,608,404 alleles (0.000062%); no homozygotes.

Submissions (2):

GeneDx
Classification: Uncertain significance. Last evaluated: 2024-02-20. Review status: criteria provided, single submitter. Criteria: GeneDx Variant Classification Process June 2021. Collection method: clinical testing. Allele origin: germline. Affected: yes.
Comment: Not observed at significant frequency in large population cohorts (gnomAD); In silico analysis supports that this variant does not alter splicing; Has not been previously published as pathogenic or benign to our knowledge

Ambry Genetics
Classification: Likely benign for Hereditary cancer-predisposing syndrome. Last evaluated: 2023-10-15. Review status: criteria provided, single submitter. Criteria: Ambry Variant Classification Scheme 2023. Collection method: clinical testing. Allele origin: germline.

NM_004304.5(ALK):c.121C>A (p.Arg41=)

Gene: ALK (ALK receptor tyrosine kinase; minus strand). Cytogenetic location: 2p23.1.
Variant type: single nucleotide variant.
Coding change: c.121C>A on transcript NM_004304.5 (MANE Select); coding-DNA position 121, C replaced by A.
Protein change: p.Arg41=; no amino-acid change (arginine 41 retained).
Molecular consequence: synonymous variant.
Genome position (GRCh38, 1-based): chr2:29,920,539, G>T on the plus strand (C>A on the coding strand, the complement: ALK is on the minus strand). VCF-style: chr2-29920539-G-T. GRCh37 (hg19) VCF-style: chr2-30143405-G-T.
Identifiers: ClinVar variation 3223788 (VCV003223788.2), dbSNP rs878854653, ClinGen allele CA425627595.
Genomic context (GRCh38, chr2:29,920,539, plus strand): 5'-GCACCACGAAGTCAACTGCCAGACTCTTCCTCTGCAGGCGCGAGTAGCTGAGTGGCTCCC[G>T]GGGCTGCAGCGGCGGCCCCGCAGCTGGGGAGCCCGCGCGCTGGCCGGTCCCCATCCCGGA-3'
Protein context (NP_004295.2, residues 31-51): SPAAGPPLQP[Arg41=]EPLSYSRLQR